The following is an entry in ClinVar:

ClinVar aggregate classification (germline): Uncertain significance. Review status: criteria provided, multiple submitters, no conflicts (2 of 4 stars). 3 submissions from 3 submitters: Uncertain significance (3). Last evaluated 2023-12-06.

Conditions:
Congenital myasthenic syndrome 17. Identifiers: Orphanet 590, MedGen C4225377, MONDO:0014578, OMIM 616304.
Cenani-Lenz syndactyly syndrome. Also called: SYNDACTYLY, TYPE VII; CENANI SYNDACTYLISM. Identifiers: Orphanet 3258, MedGen C1859309, MONDO:0008931, OMIM 212780.
Sclerosteosis 2 (SOST2). Identifiers: Orphanet 3152, MedGen C3280402, MONDO:0013679, OMIM 614305.

Allele frequency attached by ClinVar (database versions not stated): TOPMed 0.00006; gnomAD exomes 0.00010 and 0.00006; ExAC 0.00004; gnomAD 0.00009; ESP Exome Variant Server 0.00008.
gnomAD v4.1: 103 of 1,614,014 alleles (0.0064%); highest among the groups gnomAD compares: Admixed American, 0.005%; 2 homozygotes.

Submissions (3):

Labcorp Genetics (formerly Invitae), Labcorp
Classification: Uncertain significance for Cenani-Lenz syndactyly syndrome; Sclerosteosis 2; Congenital myasthenic syndrome 17. Last evaluated: 2023-12-06. Review status: criteria provided, single submitter. Criteria: Invitae Variant Classification Sherloc (09022015). Collection method: clinical testing. Allele origin: germline.
Comment: This sequence change replaces arginine, which is basic and polar, with glutamine, which is neutral and polar, at codon 1830 of the LRP4 protein (p.Arg1830Gln). This variant is present in population databases (rs146864522, gnomAD 0.09%). This variant has not been reported in the literature in individuals affected with LRP4-related conditions. ClinVar contains an entry for this variant (Variation ID: 197030). Advanced modeling of protein sequence and biophysical properties (such as structural, functional, and spatial information, amino acid conservation, physicochemical variation, residue mobility, and thermodynamic stability) performed at Invitae indicates that this missense variant is not expected to disrupt LRP4 protein function with a negative predictive value of 80%. In summary, the available evidence is currently insufficient to determine the role of this variant in disease. Therefore, it has been classified as a Variant of Uncertain Significance.

GeneDx
Classification: Uncertain significance. Last evaluated: 2019-05-01. Review status: criteria provided, single submitter. Criteria: GeneDx Variant Classification Process June 2021. Collection method: clinical testing. Allele origin: germline. Affected: yes.
Comment: In silico analysis, which includes protein predictors and evolutionary conservation, supports that this variant does not alter protein structure/function; Has not been previously published as pathogenic or benign to our knowledge

Eurofins Ntd Llc (ga)
Classification: Uncertain significance. Last evaluated: 2015-05-19. Review status: criteria provided, single submitter. Criteria: EGL Classification Definitions 2015. Collection method: clinical testing. Allele origin: germline. Observed: 2 variant alleles, 2 heterozygotes.

NM_002334.4(LRP4):c.5489G>A (p.Arg1830Gln)

Genes: LRP4-AS1 (LRP4 antisense RNA 1; plus strand), LRP4 (LDL receptor related protein 4; minus strand). Cytogenetic location: 11p11.2.
Variant type: single nucleotide variant.
Coding change: c.5489G>A on transcript NM_002334.4 (MANE Select); coding-DNA position 5489, G replaced by A.
Protein change: p.Arg1830Gln; replaces arginine 1830 with glutamine.
Molecular consequence: missense variant.
Genome position (GRCh38, 1-based): chr11:46,859,212, C>T on the plus strand (G>A on the coding strand, the complement: LRP4 is on the minus strand). VCF-style: chr11-46859212-C-T. GRCh37 (hg19) VCF-style: chr11-46880763-C-T.
Other names: short protein forms R1830Q.
Identifiers: ClinVar variation 197030 (VCV000197030.15), dbSNP rs146864522, ClinGen allele CA244923.